The following is an entry in ClinVar:

ClinVar aggregate classification (germline): Likely benign. Review status: criteria provided, single submitter (1 of 4 stars). 2 submissions from 2 submitters: Likely benign (1). 1 of the submissions does not count toward it. Last evaluated 2025-12-22.

Conditions:
Marfan syndrome (MFS). Also called: MARFAN SYNDROME, TYPE I; FBN1-Related Marfan Syndrome; Marfan syndrome type 1; Marfan's syndrome; Marfan syndrome, classic. Identifiers: Orphanet 284963, Orphanet 558, MedGen C0024796, MONDO:0007947, OMIM 154700.
Familial thoracic aortic aneurysm and aortic dissection (TAAD). Also called: Thoracic aortic aneurysms and dissections. Identifiers: Orphanet 91387, MedGen C4707243, MONDO:0019625.
FBN1-related disorder. Also called: FBN1-related disorders.

Allele frequency attached by ClinVar (database versions not stated): TOPMed 0.00001; ESP Exome Variant Server 0.00008; gnomAD 0.00001; gnomAD exomes 0.00001.
gnomAD v4.1: 24 of 1,613,530 alleles (0.0015%); highest among the groups gnomAD compares: Non-Finnish European, 0.002%; no homozygotes.

Submissions (2):

Labcorp Genetics (formerly Invitae), Labcorp
Classification: Likely benign for Marfan syndrome; Familial thoracic aortic aneurysm and aortic dissection. Last evaluated: 2025-12-22. Review status: criteria provided, single submitter. Criteria: Invitae Variant Classification Sherloc (09022015). Collection method: clinical testing. Allele origin: germline.

PreventionGenetics, part of Exact Sciences
Classification: Likely benign for FBN1-related condition. Last evaluated: 2022-08-08. Review status: no assertion criteria provided. Collection method: clinical testing. Allele origin: germline. Not counted in ClinVar's aggregate classification.
Comment: This variant is classified as likely benign based on ACMG/AMP sequence variant interpretation guidelines (Richards et al. 2015 PMID: 25741868, with internal and published modifications).

NM_000138.5(FBN1):c.6616+8T>A

Gene: FBN1 (fibrillin 1; minus strand). Cytogenetic location: 15q21.1.
Variant type: single nucleotide variant.
Coding change: c.6616+8T>A on transcript NM_000138.5 (MANE Select); 8 bases into the intron after coding-DNA position 6616, T replaced by A.
Molecular consequence: intron variant.
Genome position (GRCh38, 1-based): chr15:48,434,586, A>T on the plus strand (T>A on the coding strand, the complement: FBN1 is on the minus strand). VCF-style: chr15-48434586-A-T. GRCh37 (hg19) VCF-style: chr15-48726783-A-T.
Identifiers: ClinVar variation 767324 (VCV000767324.11), dbSNP rs371898247, ClinGen allele CA269524523.